The following is an entry in ClinVar:

NM_006005.3(WFS1):c.1831_1832delinsTA (p.Arg611Tyr)

Gene: WFS1 (wolframin ER transmembrane glycoprotein; plus strand). Cytogenetic location: 4p16.1.
Variant type: Indel.
Coding change: c.1831_1832delinsTA on transcript NM_006005.3 (MANE Select); coding-DNA positions 1831 to 1832, CG replaced by TA.
Protein change: p.Arg611Tyr; replaces arginine 611 with tyrosine.
Molecular consequence: missense variant.
Genome position (GRCh38, 1-based): chr4:6,301,626-6,301,627, CG replaced by TA. VCF-style: chr4-6301626-CG-TA. GRCh37 (hg19) VCF-style: chr4-6303353-CG-TA.
Other names: p.R611Y:CGC>TAC; c.1831_1832delinsTA, p.Arg611Tyr (NM_001145853.1); c.1831_1832delCGinsTA (NM_006005.3); short protein forms R611Y.
Identifiers: ClinVar variation 215407 (VCV000215407.22), dbSNP rs863224266, ClinGen allele CA320989.

ClinVar aggregate classification (germline): Uncertain significance. Review status: criteria provided, multiple submitters, no conflicts (2 of 4 stars). 8 submissions from 8 submitters: Uncertain significance (7). 1 of the submissions does not count toward it. Last evaluated 2026-09-16.

Conditions:
Optic atrophy. Identifiers: MedGen C0029124, MONDO:0003608, HP:0000648.
Autosomal dominant nonsyndromic hearing loss 6 (LFSNHL). Also called: DEAFNESS, AUTOSOMAL DOMINANT 6; DEAFNESS, AUTOSOMAL DOMINANT 14; DEAFNESS, AUTOSOMAL DOMINANT 38; Autosomal dominant nonsyndromic deafness 6. Identifiers: Orphanet 90635, MedGen C1833021, MONDO:0010963, OMIM 600965.
Type 2 diabetes mellitus. Also called: Type II diabetes mellitus. Identifiers: MedGen C0011860, MeSH D003924, MONDO:0005148, OMIM 125853, HP:0005978.
Cataract 41 (CTRCT41). Also called: CATARACT 41, CONGENITAL NUCLEAR TYPE. Identifiers: Orphanet 91492, Orphanet 98991, Orphanet 98992, Orphanet 98995, MedGen C3805412, MONDO:0007287, OMIM 116400.
Wolfram-like syndrome. Also called: HEARING LOSS, PROGRESSIVE, WITH OPTIC ATROPHY AND/OR IMPAIRED GLUCOSE REGULATION. Identifiers: Orphanet 411590, MedGen C3280358, MONDO:0013673, OMIM 614296.
Wolfram syndrome 1 (WFS1). Identifiers: Orphanet 3463, MedGen C4551693, MONDO:0009101, OMIM 222300.
WFS1-related disorder. Identifiers: MedGen CN379391, MONDO:0700293.

Submissions (8):

PreventionGenetics, part of Exact Sciences
Classification: Uncertain significance for WFS1-related condition. Last evaluated: 2026-09-16. Review status: criteria provided, single submitter. Criteria: ACMG Guidelines, 2015. Collection method: clinical testing. Allele origin: germline.
Comment: The WFS1 c.1831_1832delinsTA variant is predicted to result in an in-frame deletion and insertion. To our knowledge, this variant has not been reported in the literature associated with disease or in a large population database (gnomAD), indicating this variant is rare. At this time, the clinical significance of this variant is uncertain due to the absence of conclusive functional and genetic evidence.

CeGaT Center for Human Genetics Tuebingen
Classification: Uncertain significance. Last evaluated: 2026-04-01. Review status: criteria provided, single submitter. Criteria: CeGaT Center For Human Genetics Tuebingen Variant Classification Criteria Version 2. Collection method: clinical testing. Allele origin: germline. Affected: yes. Observed: 1 variant allele.
Comment: WFS1: PM2, PM5:Supporting

Labcorp Genetics (formerly Invitae), Labcorp
Classification: Uncertain significance. Last evaluated: 2025-10-11. Review status: criteria provided, single submitter. Criteria: Invitae Variant Classification Sherloc (09022015). Collection method: clinical testing. Allele origin: germline.
Comment: This sequence change replaces arginine, which is basic and polar, with tyrosine, which is neutral and polar, at codon 611 of the WFS1 protein (p.Arg611Tyr). This variant is present in population databases (no rsID available, gnomAD 0.01%). This variant has not been reported in the literature in individuals affected with WFS1-related conditions. ClinVar contains an entry for this variant (Variation ID: 215407). An algorithm developed to predict the effect of missense changes on protein structure and function (PolyPhen-2) suggests that this variant is likely to be disruptive. In summary, the available evidence is currently insufficient to determine the role of this variant in disease. Therefore, it has been classified as a Variant of Uncertain Significance.

GeneDx
Classification: Uncertain significance. Last evaluated: 2025-08-28. Review status: criteria provided, single submitter. Criteria: GeneDx Variant Classification Process June 2021. Collection method: clinical testing. Allele origin: germline. Affected: yes.
Comment: In silico analysis supports a deleterious effect on protein structure/function; Has not been previously published as pathogenic or benign to our knowledge

Blueprint Genetics
Classification: Uncertain significance. Last evaluated: 2024-06-12. Review status: criteria provided, single submitter. Criteria: ACMG Guidelines, 2015. Collection method: clinical testing. Allele origin: germline.

Fulgent Genetics
Classification: Uncertain significance for Cataract 41; Type 2 diabetes mellitus; Wolfram syndrome 1; Autosomal dominant nonsyndromic hearing loss 6; Wolfram-like syndrome. Last evaluated: 2022-04-15. Review status: criteria provided, single submitter. Criteria: ACMG Guidelines, 2015. Collection method: clinical testing. Allele origin: unknown.

Clinical Genomics, Uppaluri K&H Personalized Medicine Clinic
Classification: Uncertain significance for Wolfram syndrome 1. Review status: criteria provided, single submitter. Criteria: K & H Uppaluri Personalized Medicine Clinic Variant Classification & Assertion Criteria_Updated V.1. Collection method: research. Allele origin: unknown. Inheritance: Autosomal recessive inheritance.
Comment: Potent mutations in WFS1 gene are associated with Wolfram's syndrome, an autosomal recessive condition, which cause diabetes mellitus, diabetes insipidus, deafness and optic atrophy. However no sufficient evidence is found to ascertain the role of this particular variant rs863224266 in Wolfram's syndrome yet.

Institute of Human Genetics, Univ. Regensburg, Univ. Regensburg
Classification: Uncertain significance for Optic atrophy. Last evaluated: 2023-01-01. Review status: no assertion criteria provided. Criteria: ACMG Guidelines, 2015. Collection method: clinical testing. Allele origin: germline. Affected: yes. Not counted in ClinVar's aggregate classification.

Literature cited by the submitters: PubMed 20738327 (cited by Clinical Genomics, Uppaluri K&H Personalized Medicine Clinic); PubMed 33879153 (cited by Clinical Genomics, Uppaluri K&H Personalized Medicine Clinic); PubMed 12955714 (cited by Clinical Genomics, Uppaluri K&H Personalized Medicine Clinic); PubMed 18060660 (cited by Clinical Genomics, Uppaluri K&H Personalized Medicine Clinic); PubMed 20301750 (cited by Clinical Genomics, Uppaluri K&H Personalized Medicine Clinic); PubMed 17603484 (cited by Clinical Genomics, Uppaluri K&H Personalized Medicine Clinic).